The following is an entry in ClinVar:

NM_000535.7(PMS2):c.71A>G (p.His24Arg)

Gene: PMS2 (PMS1 homolog 2, mismatch repair system component; minus strand). Cytogenetic location: 7p22.1.
Variant type: single nucleotide variant.
Coding change: c.71A>G on transcript NM_000535.7 (MANE Select); coding-DNA position 71, A replaced by G.
Protein change: p.His24Arg; replaces histidine 24 with arginine.
Molecular consequence: missense variant. On other transcripts: 5 prime UTR variant (8), non-coding transcript variant (1), intron variant (3).
Genome position (GRCh38, 1-based): chr7:6,005,984, T>C on the plus strand (A>G on the coding strand, the complement: PMS2 is on the minus strand). VCF-style: chr7-6005984-T-C. GRCh37 (hg19) VCF-style: chr7-6045615-T-C.
Other names: c.71A>G (NM_000535.5); c.-335A>G (NM_001322003.2, NM_001322005.2, NM_001322009.2 and 1 more transcripts); c.71A>G, p.His24Arg (NM_001322006.2, NM_001322014.2); c.-145A>G (NM_001322007.2); c.-814A>G (NM_001322011.2, NM_001322012.2); c.-414A>G (NM_001322015.2); c.-52-1926A>G (NM_001322008.2); c.-242-1926A>G (NM_001322010.2, NM_001322004.2); short protein forms H24R.
Identifiers: ClinVar variation 1171583 (VCV001171583.8), dbSNP rs139233015, ClinGen allele CA051360.

ClinVar aggregate classification (germline): Uncertain significance. Review status: criteria provided, multiple submitters, no conflicts (2 of 4 stars). 3 submissions from 3 submitters: Uncertain significance (3). Last evaluated 2024-03-18.

Conditions:
Hereditary cancer-predisposing syndrome. Also called: Tumor predisposition; Hereditary neoplastic syndrome; Hereditary Cancer Syndrome; Neoplastic Syndromes, Hereditary. Identifiers: Orphanet 140162, MedGen C0027672, MeSH D009386, MONDO:0015356.
Hereditary nonpolyposis colorectal neoplasms. Identifiers: MedGen C0009405, MeSH D003123.

Allele frequency attached by ClinVar (database versions not stated): 1000 Genomes Project 30x 0.00016; 1000 Genomes Project 0.00020.

Submissions (3):

Ambry Genetics
Classification: Uncertain significance for Hereditary cancer-predisposing syndrome. Last evaluated: 2024-03-18. Review status: criteria provided, single submitter. Criteria: Ambry Variant Classification Scheme 2023. Collection method: clinical testing. Allele origin: germline.
Comment: The p.H24R variant (also known as c.71A>G), located in coding exon 2 of the PMS2 gene, results from an A to G substitution at nucleotide position 71. The histidine at codon 24 is replaced by arginine, an amino acid with highly similar properties. This variant was detected in a cohort of 118 individuals undergoing genetic testing based on a personal history of renal cell carcinoma (RCC) and clinical features suggestive of inherited RCC (Smith PS et al. Genes Chromosomes Cancer, 2021 Jan;60:5-16). This amino acid position is highly conserved in available vertebrate species. In addition, this alteration is predicted to be deleterious by in silico analysis. Based on the available evidence, the clinical significance of this alteration remains unclear.

Labcorp Genetics (formerly Invitae), Labcorp
Classification: Uncertain significance for Hereditary nonpolyposis colorectal neoplasms. Last evaluated: 2022-04-15. Review status: criteria provided, single submitter. Criteria: Invitae Variant Classification Sherloc (09022015). Collection method: clinical testing. Allele origin: germline.
Comment: In summary, the available evidence is currently insufficient to determine the role of this variant in disease. Therefore, it has been classified as a Variant of Uncertain Significance. Advanced modeling of protein sequence and biophysical properties (such as structural, functional, and spatial information, amino acid conservation, physicochemical variation, residue mobility, and thermodynamic stability) performed at Invitae indicates that this missense variant is not expected to disrupt PMS2 protein function. ClinVar contains an entry for this variant (Variation ID: 1171583). This variant has not been reported in the literature in individuals affected with PMS2-related conditions. This variant is present in population databases (rs139233015, gnomAD 0.006%). This sequence change replaces histidine, which is basic and polar, with arginine, which is basic and polar, at codon 24 of the PMS2 protein (p.His24Arg).

Color Diagnostics, LLC DBA Color Health
Classification: Uncertain significance for Hereditary cancer-predisposing syndrome. Last evaluated: 2020-12-02. Review status: criteria provided, single submitter. Criteria: ACMG Guidelines, 2015. Collection method: clinical testing. Allele origin: germline.
Comment: This missense variant replaces histidine with arginine at codon 24 of the PMS2 protein. Computational prediction suggests that this variant may have deleterious impact on protein structure and function (internally defined REVEL score threshold >= 0.7, PMID: 27666373). To our knowledge, functional studies have not been reported for this variant. This variant has not been reported in individuals affected with hereditary cancer in the literature. This variant has been identified in 1/245708 chromosomes in the general population by the Genome Aggregation Database (gnomAD). The available evidence is insufficient to determine the role of this variant in disease conclusively. Therefore, this variant is classified as a Variant of Uncertain Significance.

Literature cited by the submitters: PubMed 32830346 (cited by Ambry Genetics).